The following is an entry in ClinVar:

ClinVar aggregate classification (germline): Conflicting classifications of pathogenicity. Review status: criteria provided, conflicting classifications (1 of 4 stars). 2 submissions from 2 submitters: Uncertain significance (1); Likely benign (1). Last evaluated 2025-06-09.

Conditions:
Inborn genetic diseases. Identifiers: MedGen C0950123, MeSH D030342.
Schuurs-Hoeijmakers syndrome. Also called: PACS1-Related Neurodevelopmental Disorder. Identifiers: Orphanet 329224, MedGen C3554343, MONDO:0014006, OMIM 615009.

Allele frequency attached by ClinVar (database versions not stated): gnomAD exomes below 0.00001; TOPMed 0.00001; gnomAD 0.00002.
gnomAD v4.1: 12 of 1,608,102 alleles (0.00075%); highest among the groups gnomAD compares: Admixed American, 0.02%; no homozygotes.

Submissions (2):

Labcorp Genetics (formerly Invitae), Labcorp
Classification: Likely benign for Schuurs-Hoeijmakers syndrome. Last evaluated: 2025-06-09. Review status: criteria provided, single submitter. Criteria: Invitae Variant Classification Sherloc (09022015). Collection method: clinical testing. Allele origin: germline.

Ambry Genetics
Classification: Uncertain significance for Inborn genetic diseases. Last evaluated: 2023-03-02. Review status: criteria provided, single submitter. Criteria: Ambry Variant Classification Scheme 2023. Collection method: clinical testing. Allele origin: germline.
Comment: The c.2207+5G>C intronic alteration consists of a G to C substitution 5 nucleotides after exon 18 of the PACS1 gene. Based on insufficient or conflicting evidence, the clinical significance of this alteration remains unclear.

NM_018026.4(PACS1):c.2207+5G>C

Gene: PACS1 (phosphofurin acidic cluster sorting protein 1; plus strand). Cytogenetic location: 11q13.2.
Variant type: single nucleotide variant.
Coding change: c.2207+5G>C on transcript NM_018026.4 (MANE Select); 5 bases into the intron after coding-DNA position 2207, G replaced by C.
Molecular consequence: intron variant.
Genome position (GRCh38, 1-based): chr11:66,235,408, G>C. VCF-style: chr11-66235408-G-C. GRCh37 (hg19) VCF-style: chr11-66002879-G-C.
Other names: c.2207+5G>C (NM_018026.2).
Identifiers: ClinVar variation 473409 (VCV000473409.8), dbSNP rs1285923468, ClinGen allele CA599857573.